The following is an entry in ClinVar:

ClinVar aggregate classification (germline): Likely benign. Review status: criteria provided, multiple submitters, no conflicts (2 of 4 stars). 2 submissions from 2 submitters: Likely benign (2). Last evaluated 2025-01-31.

Conditions:
Autosomal dominant polycystic kidney disease. Identifiers: Orphanet 730, MedGen C0085413, MONDO:0004691.

Allele frequency attached by ClinVar (database versions not stated): gnomAD exomes below 0.00001 and 0.00001; ExAC 0.00001; gnomAD 0.00002; TOPMed 0.00002; ESP Exome Variant Server 0.00008.
gnomAD v4.1: 12 of 1,613,726 alleles (0.00074%); highest among the groups gnomAD compares: Middle Eastern, 0.016%; no homozygotes.

Submissions (2):

Athena Diagnostics
Classification: Likely benign. Last evaluated: 2025-01-31. Review status: criteria provided, single submitter. Criteria: Athena Diagnostics Criteria. Collection method: clinical testing. Allele origin: unknown.
Comment: Computational tools yielded predictions that this variant is unlikely to have an effect on normal RNA splicing. This nucleotide position exhibits low evolutionary conservation. This variant has been seen where an alternate explanation for disease was also identified.

Labcorp Genetics (formerly Invitae), Labcorp
Classification: Likely benign for Autosomal dominant polycystic kidney disease. Last evaluated: 2024-03-13. Review status: criteria provided, single submitter. Criteria: Invitae Variant Classification Sherloc (09022015). Collection method: clinical testing. Allele origin: germline.

NM_000297.4(PKD2):c.2448C>T (p.Asp816=)

Gene: PKD2 (polycystin 2, transient receptor potential cation channel; plus strand). Cytogenetic location: 4q22.1.
Variant type: single nucleotide variant.
Coding change: c.2448C>T on transcript NM_000297.4 (MANE Select); coding-DNA position 2448, C replaced by T.
Protein change: p.Asp816=; no amino-acid change (aspartic acid 816 retained).
Molecular consequence: synonymous variant. On other transcripts: non-coding transcript variant (1).
Genome position (GRCh38, 1-based): chr4:88,067,987, C>T. VCF-style: chr4-88067987-C-T. GRCh37 (hg19) VCF-style: chr4-88989139-C-T.
Identifiers: ClinVar variation 701284 (VCV000701284.9), dbSNP rs371289455, ClinGen allele CA3004251.